The following is an entry in ClinVar:

ClinVar aggregate classification (germline): Benign/Likely benign. Review status: criteria provided, multiple submitters, no conflicts (2 of 4 stars). 3 submissions from 3 submitters: Benign (1); Likely benign (2). Last evaluated 2025-03-06.

Conditions:
Hereditary cancer-predisposing syndrome. Also called: Tumor predisposition; Neoplastic Syndromes, Hereditary; Hereditary Cancer Syndrome; Hereditary neoplastic syndrome. Identifiers: Orphanet 140162, MedGen C0027672, MeSH D009386, MONDO:0015356.
Oligodontia-cancer predisposition syndrome. Also called: TOOTH AGENESIS-COLORECTAL CANCER SYNDROME. Identifiers: Orphanet 300576, MedGen C1837750, MONDO:0012075, OMIM 608615. Disease mechanism: loss of function.

Allele frequency attached by ClinVar (database versions not stated): gnomAD exomes below 0.00001.
gnomAD v4.1: 2 of 1,614,220 alleles (0.00012%); highest among the groups gnomAD compares: South Asian, 0.0022%; no homozygotes.

Submissions (3):

Ambry Genetics
Classification: Likely benign for Hereditary cancer-predisposing syndrome. Last evaluated: 2025-03-06. Review status: criteria provided, single submitter. Criteria: Ambry Variant Classification Scheme 2023. Collection method: clinical testing. Allele origin: germline.

Myriad Genetics, Inc.
Classification: Benign for Oligodontia-cancer predisposition syndrome. Last evaluated: 2024-07-10. Review status: criteria provided, single submitter. Criteria: Myriad Autosomal Dominant, Autosomal Recessive and X-Linked Classification Criteria (2023). Collection method: clinical testing. Allele origin: unknown.
Comment: This variant is considered benign. This variant is a silent/synonymous amino acid change and it is not expected to impact splicing.

Labcorp Genetics (formerly Invitae), Labcorp
Classification: Likely benign for Oligodontia-cancer predisposition syndrome. Last evaluated: 2019-05-12. Review status: criteria provided, single submitter. Criteria: Invitae Variant Classification Sherloc (09022015). Collection method: clinical testing. Allele origin: germline.

NM_004655.4(AXIN2):c.2202C>T (p.Ala734=)

Gene: AXIN2 (axin 2; minus strand). Cytogenetic location: 17q24.1.
Variant type: single nucleotide variant.
Coding change: c.2202C>T on transcript NM_004655.4 (MANE Select); coding-DNA position 2202, C replaced by T.
Protein change: p.Ala734=; no amino-acid change (alanine 734 retained).
Molecular consequence: synonymous variant.
Genome position (GRCh38, 1-based): chr17:65,535,661, G>A on the plus strand (C>T on the coding strand, the complement: AXIN2 is on the minus strand). VCF-style: chr17-65535661-G-A. GRCh37 (hg19) VCF-style: chr17-63531779-G-A.
Other names: c.2007C>T, p.Ala669= (NM_001363813.1); c.2202C>T (NM_004655.3).
Identifiers: ClinVar variation 1107376 (VCV001107376.11), dbSNP rs2144432898, ClinGen allele CA501476080.